The following is an entry in ClinVar:

NM_000883.4(IMPDH1):c.1074+6_1074+7delinsAA

Gene: IMPDH1 (inosine monophosphate dehydrogenase 1; minus strand). Cytogenetic location: 7q32.1.
Variant type: Indel.
Coding change: c.1074+6_1074+7delinsAA on transcript NM_000883.4 (MANE Select); bases 6 to 7 of the intron after coding-DNA position 1074, GC replaced by AA.
Molecular consequence: intron variant.
Genome position (GRCh38, 1-based): chr7:128,398,407-128,398,408, GC replaced by TT on the plus strand (GC replaced by AA on the coding strand, the reverse complement: IMPDH1 is on the minus strand). VCF-style: chr7-128398407-GC-TT. GRCh37 (hg19) VCF-style: chr7-128038461-GC-TT.
Other names: c.867+6_867+7delinsAA (NM_001304521.2); c.966+6_966+7delinsAA (NM_183243.3); c.1044+6_1044+7delinsAA (NM_001102605.2); c.975+6_975+7delinsAA (NM_001142576.2); c.744+6_744+7delinsAA (NM_001142575.2); c.804+6_804+7delinsAA (NM_001142574.2); c.819+6_819+7delinsAA (NM_001142573.2).
Identifiers: ClinVar variation 5041864 (VCV005041864.1).

ClinVar aggregate classification (germline): Likely benign (1 of 4 stars; one submission).

Submission:

CeGaT Center for Human Genetics Tuebingen
Classification: Likely benign. Last evaluated: 2026-09-01. Review status: criteria provided, single submitter. Criteria: CeGaT Center For Human Genetics Tuebingen Variant Classification Criteria Version 2. Collection method: clinical testing. Allele origin: germline. Affected: yes. Observed: 1 variant allele.
Comment: IMPDH1: BP4